The following is an entry in ClinVar:

ClinVar aggregate classification (germline): Benign/Likely benign. Review status: criteria provided, multiple submitters, no conflicts (2 of 4 stars). 5 submissions from 5 submitters: Benign (1); Likely benign (4). Last evaluated 2025-07-17.

Conditions:
Familial cancer of breast. Also called: Hereditary breast cancer; BREAST CANCER, FAMILIAL; hereditary breast carcinoma. Identifiers: Orphanet 227535, MedGen C0346153, MONDO:0016419, OMIM 114480. Disease mechanism: loss of function.
Hereditary cancer-predisposing syndrome. Also called: Tumor predisposition; Neoplastic Syndromes, Hereditary; Hereditary neoplastic syndrome; Hereditary Cancer Syndrome. Identifiers: Orphanet 140162, MedGen C0027672, MeSH D009386, MONDO:0015356.
Fanconi anemia complementation group J. Also called: BRIP1-Related Fanconi Anemia. Identifiers: Orphanet 84, MedGen C1836860, MONDO:0012187, OMIM 609054.

Allele frequency attached by ClinVar (database versions not stated): gnomAD exomes below 0.00001; ExAC 0.00001.
gnomAD v4.1: 2 of 1,613,982 alleles (0.00012%); highest among the groups gnomAD compares: South Asian, 0.0022%; no homozygotes.

Submissions (5):

Labcorp Genetics (formerly Invitae), Labcorp
Classification: Likely benign for Familial cancer of breast; Fanconi anemia complementation group J. Last evaluated: 2025-07-17. Review status: criteria provided, single submitter. Criteria: Invitae Variant Classification Sherloc (09022015). Collection method: clinical testing. Allele origin: germline.

Ambry Genetics
Classification: Likely benign for Hereditary cancer-predisposing syndrome. Last evaluated: 2024-09-18. Review status: criteria provided, single submitter. Criteria: Ambry Variant Classification Scheme 2023. Collection method: clinical testing. Allele origin: germline.

Myriad Genetics, Inc.
Classification: Benign for Familial cancer of breast. Last evaluated: 2024-09-10. Review status: criteria provided, single submitter. Criteria: Myriad Autosomal Dominant, Autosomal Recessive and X-Linked Classification Criteria (2023). Collection method: clinical testing. Allele origin: unknown.
Comment: This variant is considered benign. This variant is a silent/synonymous amino acid change and it is not expected to impact splicing.

Blueprint Genetics
Classification: Likely benign. Last evaluated: 2022-08-08. Review status: criteria provided, single submitter. Criteria: ACMG Guidelines, 2015. Collection method: clinical testing. Allele origin: germline.

Color Diagnostics, LLC DBA Color Health
Classification: Likely benign for Hereditary cancer-predisposing syndrome. Last evaluated: 2020-12-21. Review status: criteria provided, single submitter. Criteria: ACMG Guidelines, 2015. Collection method: clinical testing. Allele origin: germline.

NM_032043.3(BRIP1):c.3294C>T (p.Ala1098=)

Gene: BRIP1 (BRCA1 interacting DNA helicase 1; minus strand). Cytogenetic location: 17q23.2.
Variant type: single nucleotide variant.
Coding change: c.3294C>T on transcript NM_032043.3 (MANE Select); coding-DNA position 3294, C replaced by T.
Protein change: p.Ala1098=; no amino-acid change (alanine 1098 retained).
Molecular consequence: synonymous variant.
Genome position (GRCh38, 1-based): chr17:61,683,752, G>A on the plus strand (C>T on the coding strand, the complement: BRIP1 is on the minus strand). VCF-style: chr17-61683752-G-A. GRCh37 (hg19) VCF-style: chr17-59761113-G-A.
Identifiers: ClinVar variation 795231 (VCV000795231.15), dbSNP rs748928248, ClinGen allele CA8690372.